The following is an entry in ClinVar:

ClinVar aggregate classification (germline): Uncertain significance (1 of 4 stars; one submission).

Conditions:
Cerebral creatine deficiency syndrome. Also called: Creatine deficiency syndromes. Identifiers: Orphanet 79172, MedGen C5244016, MONDO:0000456.

Submission:

Labcorp Genetics (formerly Invitae), Labcorp
Classification: Uncertain significance for Cerebral creatine deficiency syndrome. Last evaluated: 2021-07-16. Review status: criteria provided, single submitter. Criteria: Invitae Variant Classification Sherloc (09022015). Collection method: clinical testing. Allele origin: germline.
Comment: In summary, the available evidence is currently insufficient to determine the role of this variant in disease. Therefore, it has been classified as a Variant of Uncertain Significance. Algorithms developed to predict the effect of missense changes on protein structure and function are either unavailable or do not agree on the potential impact of this missense change (SIFT: "Deleterious"; PolyPhen-2: "Probably Damaging"; Align-GVGD: "Class C0"). This variant has not been reported in the literature in individuals with GAMT-related conditions. This variant is not present in population databases (ExAC no frequency). This sequence change replaces valine with methionine at codon 120 of the GAMT protein (p.Val120Met). The valine residue is highly conserved and there is a small physicochemical difference between valine and methionine.

NM_000156.6(GAMT):c.358G>A (p.Val120Met)

Gene: GAMT (guanidinoacetate N-methyltransferase; minus strand). Cytogenetic location: 19p13.3.
Variant type: single nucleotide variant.
Coding change: c.358G>A on transcript NM_000156.6 (MANE Select); coding-DNA position 358, G replaced by A.
Protein change: p.Val120Met; replaces valine 120 with methionine.
Molecular consequence: missense variant.
Genome position (GRCh38, 1-based): chr19:1,399,557, C>T on the plus strand (G>A on the coding strand, the complement: GAMT is on the minus strand). VCF-style: chr19-1399557-C-T. GRCh37 (hg19) VCF-style: chr19-1399556-C-T.
Other names: c.358G>A, p.Val120Met (NM_138924.3); short protein forms V120M.
Identifiers: ClinVar variation 1462911 (VCV001462911.8), dbSNP rs2082620964, ClinGen allele CA402995681.